The following is an entry in ClinVar:

NM_004415.4(DSP):c.8611C>T (p.His2871Tyr)

Gene: DSP (desmoplakin; plus strand). Cytogenetic location: 6p24.3.
Variant type: single nucleotide variant.
Coding change: c.8611C>T on transcript NM_004415.4 (MANE Select); coding-DNA position 8611, C replaced by T.
Protein change: p.His2871Tyr; replaces histidine 2871 with tyrosine.
Molecular consequence: missense variant.
Genome position (GRCh38, 1-based): chr6:7,585,873, C>T. VCF-style: chr6-7585873-C-T. GRCh37 (hg19) VCF-style: chr6-7586106-C-T.
Other names: c.6814C>T, p.His2272Tyr (NM_001008844.3); c.7282C>T, p.His2428Tyr (NM_001319034.2); short protein forms H2272Y, H2428Y, H2871Y.
Identifiers: ClinVar variation 2775391 (VCV002775391.2), dbSNP rs2533953429, ClinGen allele CA362695493.

ClinVar aggregate classification (germline): Uncertain significance (1 of 4 stars; one submission).

Conditions:
Cardiomyopathy (CMYO). Also called: Cardiomyopathies. Identifiers: Orphanet 167848, MedGen C0878544, MONDO:0004994, HP:0001638. Inheritance: Various modes of inheritance.

Submission:

Color Diagnostics, LLC DBA Color Health
Classification: Uncertain significance for Cardiomyopathy. Last evaluated: 2023-02-17. Review status: criteria provided, single submitter. Criteria: ACMG Guidelines, 2015. Collection method: clinical testing. Allele origin: germline.
Comment: This missense variant replaces histidine with tyrosine at codon 2871 of the DSP protein. Computational prediction suggests that this variant may not impact protein structure and function (internally defined REVEL score threshold <= 0.5, PMID: 27666373). To our knowledge, functional studies have not been reported for this variant. This variant has not been reported in individuals affected with DSP-related disorders in the literature. This variant has not been identified in the general population by the Genome Aggregation Database (gnomAD). The available evidence is insufficient to determine the role of this variant in disease conclusively. Therefore, this variant is classified as a Variant of Uncertain Significance.